The following is an entry in ClinVar:

ClinVar aggregate classification (germline): Conflicting classifications of pathogenicity. Review status: criteria provided, conflicting classifications (1 of 4 stars). 6 submissions from 6 submitters: Uncertain significance (4); Likely benign (1). 1 of the submissions does not count toward it. Last evaluated 2025-08-25.

Conditions:
Duchenne muscular dystrophy (DMD). Also called: MUSCULAR DYSTROPHY, PSEUDOHYPERTROPHIC PROGRESSIVE, DUCHENNE TYPE; Duchenne Muscular Dystrophy (DMD). Identifiers: Orphanet 98896, MedGen C0013264, MONDO:0010679, OMIM 310200.
Dystrophin deficiency.
Becker muscular dystrophy (BMD). Also called: MUSCULAR DYSTROPHY, PSEUDOHYPERTROPHIC PROGRESSIVE, BECKER TYPE; Becker Muscular Dystrophy (BMD). Identifiers: Orphanet 98895, MedGen C0917713, MONDO:0010311, OMIM 300376.
Cardiomyopathy (CMYO). Also called: Cardiomyopathies. Identifiers: Orphanet 167848, MedGen C0878544, MONDO:0004994, HP:0001638. Inheritance: Various modes of inheritance.
Cardiovascular phenotype. Identifiers: MedGen CN230736.
Dilated cardiomyopathy 3B (CMD3B). Also called: CMD3B: DMD-Related Dilated Cardiomyopathy; CARDIOMYOPATHY, DILATED, X-LINKED; DMD-Associated Dilated Cardiomyopathy. Identifiers: Orphanet 154, MedGen C3668940, MONDO:0010542, OMIM 302045.

Allele frequency attached by ClinVar (database versions not stated): gnomAD 0.00001; gnomAD exomes 0.00001 and 0.00002; TOPMed 0.00001.
gnomAD v4.1: 27 of 1,207,582 alleles (0.0022%); highest among the groups gnomAD compares: Non-Finnish European, 0.003%; no homozygotes.

Submissions (6):

Labcorp Genetics (formerly Invitae), Labcorp
Classification: Likely benign for Duchenne muscular dystrophy. Last evaluated: 2025-08-25. Review status: criteria provided, single submitter. Criteria: Invitae Variant Classification Sherloc (09022015). Collection method: clinical testing. Allele origin: germline.

Ambry Genetics
Classification: Uncertain significance for Cardiovascular phenotype. Last evaluated: 2023-01-09. Review status: criteria provided, single submitter. Criteria: Ambry Variant Classification Scheme 2023. Collection method: clinical testing. Allele origin: germline.
Comment: The p.R3571H variant (also known as c.10712G>A), located in coding exon 75 of the DMD gene, results from a G to A substitution at nucleotide position 10712. The arginine at codon 3571 is replaced by histidine, an amino acid with highly similar properties. Based on data from gnomAD, the A allele has an overall frequency of <0.01% (1/183176) total alleles studied, with 1 hemizygote(s) observed. The highest observed frequency was <0.01% (1/81703) of European (non-Finnish) alleles. This amino acid position is highly conserved in available vertebrate species. In addition, this alteration is predicted to be deleterious by in silico analysis. Since supporting evidence is limited at this time, the clinical significance of this alteration remains unclear.

CeGaT Center for Human Genetics Tuebingen
Classification: Uncertain significance. Last evaluated: 2022-04-01. Review status: criteria provided, single submitter. Criteria: CeGaT Center For Human Genetics Tuebingen Variant Classification Criteria Version 2. Collection method: clinical testing. Allele origin: germline. Affected: yes. Observed: 1 variant allele.
Comment: DMD: PP3

Fulgent Genetics
Classification: Uncertain significance for Becker muscular dystrophy; Dilated cardiomyopathy 3B; Duchenne muscular dystrophy. Last evaluated: 2021-12-05. Review status: criteria provided, single submitter. Criteria: ACMG Guidelines, 2015. Collection method: clinical testing. Allele origin: unknown.

Revvity Omics, Revvity
Classification: Uncertain significance. Last evaluated: 2019-07-30. Review status: criteria provided, single submitter. Criteria: ACMG Guidelines, 2015. Collection method: clinical testing. Allele origin: germline.

Natera, Inc.
Classification: Uncertain significance for Becker muscular dystrophy; Cardiomyopathy; Duchenne muscular dystrophy; Dystrophin deficiency. Last evaluated: 2018-10-23. Review status: no assertion criteria provided. Collection method: clinical testing. Allele origin: germline. Not counted in ClinVar's aggregate classification.

NM_004006.3(DMD):c.10712G>A (p.Arg3571His)

Gene: DMD (dystrophin; minus strand). Cytogenetic location: Xp21.2.
Variant type: single nucleotide variant.
Coding change: c.10712G>A on transcript NM_004006.3 (MANE Select); coding-DNA position 10712, G replaced by A.
Protein change: p.Arg3571His; replaces arginine 3571 with histidine.
Molecular consequence: missense variant.
Genome position (GRCh38, 1-based): chrX:31,147,360, C>T on the plus strand (G>A on the coding strand, the complement: DMD is on the minus strand). VCF-style: chrX-31147360-C-T. GRCh37 (hg19) VCF-style: chrX-31165477-C-T.
Other names: c.10688G>A, p.Arg3563His (NM_000109.4); c.10700G>A, p.Arg3567His (NM_004009.3); c.10343G>A, p.Arg3448His (NM_004010.3); c.6689G>A, p.Arg2230His (NM_004011.4); c.6680G>A, p.Arg2227His (NM_004012.4); c.3332G>A, p.Arg1111His (NM_004013.3, NM_004021.3); c.2525G>A, p.Arg842His (NM_004014.3); c.1508G>A, p.Arg503His (NM_004015.3, NM_004016.3); and 3 more; short protein forms R1001H, R1111H, R3448H, R3563H, R1098H, R2230H, R490H, R503H.
Identifiers: ClinVar variation 839880 (VCV000839880.36), dbSNP rs935091512, ClinGen allele CA328402836.